The following is an entry in ClinVar:

ClinVar aggregate classification (germline): Uncertain significance (1 of 4 stars; one submission).

Submission:

CeGaT Center for Human Genetics Tuebingen
Classification: Uncertain significance. Last evaluated: 2026-07-01. Review status: criteria provided, single submitter. Criteria: CeGaT Center For Human Genetics Tuebingen Variant Classification Criteria Version 2. Collection method: clinical testing. Allele origin: germline. Affected: yes. Observed: 1 variant allele.
Comment: TERT: PM2

NM_198253.3(TERT):c.1519G>A (p.Glu507Lys)

Gene: TERT (telomerase reverse transcriptase; minus strand). Cytogenetic location: 5p15.33.
Variant type: single nucleotide variant.
Coding change: c.1519G>A on transcript NM_198253.3 (MANE Select); coding-DNA position 1519, G replaced by A.
Protein change: p.Glu507Lys; replaces glutamic acid 507 with lysine.
Molecular consequence: missense variant. On other transcripts: non-coding transcript variant (2).
Genome position (GRCh38, 1-based): chr5:1,293,367, C>T on the plus strand (G>A on the coding strand, the complement: TERT is on the minus strand). VCF-style: chr5-1293367-C-T. GRCh37 (hg19) VCF-style: chr5-1293482-C-T.
Other names: c.1519G>A, p.Glu507Lys (NM_001193376.3); short protein forms E507K.
Identifiers: ClinVar variation 5040103 (VCV005040103.1).
Genomic context (GRCh38, chr5:1,293,367, plus strand): 5'-CCTCACCTGGGCTCCTGCGCAGCCAAGCGCAGTCCCGCACGCTCATCTTCCACGTCAGCT[C>T]CTGCAGCGAGAGCTTGGCATGCTTCCCCAGGGAGATGAACTTCTTGGTGTTCCTGAGGAA-3'
Protein context (NP_937983.2, residues 497-517): LGKHAKLSLQ[Glu507Lys]LTWKMSVRDC